The following is an entry in ClinVar:

ClinVar aggregate classification (germline): Uncertain significance (1 of 4 stars; one submission).

Conditions:
Clark-Baraitser syndrome. Also called: Intellectual disability, autosomal dominant 49; MENTAL RETARDATION, AUTOSOMAL DOMINANT 49; BARAITSER SYNDROME; Mental retardation, tall stature, obesity, macrocephaly and typical facial features. Identifiers: Orphanet 600731, MedGen C2931130, MONDO:0030914, OMIM 617752.

Submission:

Laboratorio de Genetica e Diagnostico Molecular, Hospital Israelita Albert Einstein
Classification: Uncertain significance for Clark-Baraitser syndrome. Last evaluated: 2023-07-07. Review status: criteria provided, single submitter. Criteria: ACMG Guidelines, 2015. Collection method: clinical testing. Allele origin: germline. Affected: yes.
Comment: ACMG classification criteria: PM2 moderate, PP2 supporting

NM_001348323.3(TRIP12):c.4814G>T (p.Trp1605Leu)

Gene: TRIP12 (thyroid hormone receptor interactor 12; minus strand). Cytogenetic location: 2q36.3.
Variant type: single nucleotide variant.
Coding change: c.4814G>T on transcript NM_001348323.3 (MANE Select); coding-DNA position 4814, G replaced by T.
Protein change: p.Trp1605Leu; replaces tryptophan 1605 with leucine.
Molecular consequence: missense variant.
Genome position (GRCh38, 1-based): chr2:229,788,822, C>A on the plus strand (G>T on the coding strand, the complement: TRIP12 is on the minus strand). VCF-style: chr2-229788822-C-A. GRCh37 (hg19) VCF-style: chr2-230653538-C-A.
Other names: c.4814G>T, p.Trp1605Leu (NM_001348325.2, NM_001348326.2, NM_001348327.2 and 2 more transcripts); c.4817G>T, p.Trp1606Leu (NM_001348328.1, NM_001348329.2, NM_001348330.2); c.4592G>T, p.Trp1531Leu (NM_001348331.1); c.4712G>T, p.Trp1571Leu (NM_001348332.1); c.4736G>T, p.Trp1579Leu (NM_001348333.1); c.4589G>T, p.Trp1530Leu (NM_004238.3); c.4673G>T, p.Trp1558Leu (NM_001348318.2, NM_001348317.1); c.4799G>T, p.Trp1600Leu (NM_001348319.1, NM_001348320.2); and 4 more; short protein forms W1260L, W1530L, W1531L, W1558L, W1563L, W1571L, W1578L, W1579L.
Identifiers: ClinVar variation 4076276 (VCV004076276.1).
Genomic context (GRCh38, chr2:229,788,822, plus strand): 5'-TTTCCAAGGCCACCATTACAGAAGTGATTGTCTTACCAGGTTTTTCCTAGCTCAGTAAGC[C>A]ATGTTGGGATGTTTCCTGTCATGATTACTAAAGGATCTTGAAGTTGCCTATTTGCTTTTG-3'
Protein context (NP_001335252.1, residues 1595-1615): LVIMTGNIPT[Trp1605Leu]LTELGKTCPF